The following is an entry in ClinVar:

ClinVar aggregate classification (germline): Uncertain significance (1 of 4 stars; one submission).

Conditions:
Hereditary diffuse gastric adenocarcinoma (HDGC). Also called: DIFFUSE GASTRIC AND LOBULAR BREAST CANCER SYNDROME. Identifiers: Orphanet 26106, MedGen C1708349, MONDO:0007648, OMIM 137215.

Submission:

Labcorp Genetics (formerly Invitae), Labcorp
Classification: Uncertain significance for Hereditary diffuse gastric adenocarcinoma. Last evaluated: 2023-08-16. Review status: criteria provided, single submitter. Criteria: Invitae Variant Classification Sherloc (09022015). Collection method: clinical testing. Allele origin: germline.
Comment: In summary, the available evidence is currently insufficient to determine the role of this variant in disease. Therefore, it has been classified as a Variant of Uncertain Significance. Algorithms developed to predict the effect of missense changes on protein structure and function output the following: SIFT: "Not Available"; PolyPhen-2: "Benign"; Align-GVGD: "Not Available". The alanine amino acid residue is found in multiple mammalian species, which suggests that this missense change does not adversely affect protein function. ClinVar contains an entry for this variant (Variation ID: 643894). This variant has not been reported in the literature in individuals affected with CDH1-related conditions. This variant is not present in population databases (gnomAD no frequency). This sequence change replaces glycine, which is neutral and non-polar, with alanine, which is neutral and non-polar, at codon 78 of the CDH1 protein (p.Gly78Ala).

NM_004360.5(CDH1):c.233G>C (p.Gly78Ala)

Gene: CDH1 (cadherin 1; plus strand). Cytogenetic location: 16q22.1.
Variant type: single nucleotide variant.
Coding change: c.233G>C on transcript NM_004360.5 (MANE Select); coding-DNA position 233, G replaced by C.
Protein change: p.Gly78Ala; replaces glycine 78 with alanine.
Molecular consequence: missense variant. On other transcripts: 5 prime UTR variant (2).
Genome position (GRCh38, 1-based): chr16:68,801,739, G>C. VCF-style: chr16-68801739-G-C. GRCh37 (hg19) VCF-style: chr16-68835642-G-C.
Other names: c.233G>C (LRG_301t1); c.233G>C, p.Gly78Ala (NM_001317184.2); c.-1383G>C (NM_001317185.2); c.-1587G>C (NM_001317186.2); short protein forms G78A.
Identifiers: ClinVar variation 643894 (VCV000643894.9), dbSNP rs587781404, ClinGen allele CA396457210.
Genomic context (GRCh38, chr16:68,801,739, plus strand): 5'-AAGATTGCACCGGTCGACAAAGGACAGCCTATTTTTCCCTCGACACCCGATTCAAAGTGG[G>C]CACAGATGGTGTGATTACAGTCAAAAGGCCTCTACGGTTTCATAACCCACAGATCCATTT-3'
Protein context (NP_004351.1, residues 68-88): YFSLDTRFKV[Gly78Ala]TDGVITVKRP